The following is an entry in ClinVar:

ClinVar aggregate classification (germline): Uncertain significance. Review status: criteria provided, multiple submitters, no conflicts (2 of 4 stars). 5 submissions from 5 submitters: Uncertain significance (3). 2 of the submissions do not count toward it. Last evaluated 2022-10-06.

Conditions:
MKS1-related disorder. Also called: MKS1-related condition; MKS1-related disorders. Identifiers: MedGen CN239382.
Meckel syndrome, type 1 (MKS1). Also called: MECKEL-GRUBER SYNDROME, TYPE 1. Identifiers: Orphanet 564, MedGen C3714506, MONDO:0009571, OMIM 249000.
Bardet-Biedl syndrome 13 (BBS13). Identifiers: Orphanet 110, MedGen C2673873, MONDO:0014441, OMIM 615990.
Joubert syndrome 28 (JBTS28). Identifiers: MedGen C4310705, MONDO:0014928, OMIM 617121.
Inborn genetic diseases. Identifiers: MedGen C0950123, MeSH D030342.
Meckel-Gruber syndrome. Also called: DYSENCEPHALIA SPLANCHNOCYSTICA; GRUBER SYNDROME; Dysencephalia splachnocystica. Identifiers: Orphanet 564, MedGen C0265215, MONDO:0018921.
Joubert syndrome. Also called: JOUBERT-BOLTSHAUSER SYNDROME; Familial aplasia of the vermis. Identifiers: Orphanet 475, MedGen C5979921, MONDO:0018772.

Allele frequency attached by ClinVar (database versions not stated): gnomAD exomes below 0.00001.
gnomAD v4.1: 7 of 1,613,990 alleles (0.00043%); highest among the groups gnomAD compares: Non-Finnish European, 0.00059%; no homozygotes.

Submissions (5):

Ambry Genetics
Classification: Uncertain significance for Inborn genetic diseases. Last evaluated: 2022-10-06. Review status: criteria provided, single submitter. Criteria: Ambry Variant Classification Scheme 2023. Collection method: clinical testing. Allele origin: germline.

Labcorp Genetics (formerly Invitae), Labcorp
Classification: Uncertain significance for Joubert syndrome; Meckel-Gruber syndrome. Last evaluated: 2022-07-05. Review status: criteria provided, single submitter. Criteria: Invitae Variant Classification Sherloc (09022015). Collection method: clinical testing. Allele origin: germline.
Comment: This sequence change replaces valine, which is neutral and non-polar, with isoleucine, which is neutral and non-polar, at codon 319 of the MKS1 protein (p.Val319Ile). The frequency data for this variant in the population databases is considered unreliable, as metrics indicate poor data quality at this position in the gnomAD database. This variant has not been reported in the literature in individuals affected with MKS1-related conditions. ClinVar contains an entry for this variant (Variation ID: 1057511). Advanced modeling of protein sequence and biophysical properties (such as structural, functional, and spatial information, amino acid conservation, physicochemical variation, residue mobility, and thermodynamic stability) performed at Invitae indicates that this missense variant is not expected to disrupt MKS1 protein function. Algorithms developed to predict the effect of sequence changes on RNA splicing suggest that this variant may disrupt the consensus splice site. In summary, the available evidence is currently insufficient to determine the role of this variant in disease. Therefore, it has been classified as a Variant of Uncertain Significance.

New York Genome Center
Classification: Uncertain significance for Bardet-Biedl syndrome 13; Joubert syndrome 28; Meckel syndrome, type 1. Last evaluated: 2021-10-08. Review status: criteria provided, single submitter. Criteria: NYGC Assertion Criteria 2020. Collection method: clinical testing. Allele origin: germline. Observed: 1 heterozygote.

PreventionGenetics, part of Exact Sciences
Classification: Uncertain significance for MKS1-related condition. Last evaluated: 2024-09-13. Review status: no assertion criteria provided. Collection method: clinical testing. Allele origin: germline. Not counted in ClinVar's aggregate classification.
Comment: The MKS1 c.955G>A variant is predicted to result in the amino acid substitution p.Val319Ile. To our knowledge, this variant has not been reported in the literature. This variant is reported in 0.00088% of alleles in individuals of European (Non-Finnish) descent in gnomAD. At this time, the clinical significance of this variant is uncertain due to the absence of conclusive functional and genetic evidence.

Natera, Inc.
Classification: Uncertain significance for Meckel syndrome type 1. Last evaluated: 2020-08-31. Review status: no assertion criteria provided. Collection method: clinical testing. Allele origin: germline. Not counted in ClinVar's aggregate classification.

NM_017777.4(MKS1):c.955G>A (p.Val319Ile)

Gene: MKS1 (MKS transition zone complex subunit 1; minus strand). Cytogenetic location: 17q22.
Variant type: single nucleotide variant.
Coding change: c.955G>A on transcript NM_017777.4 (MANE Select); coding-DNA position 955, G replaced by A.
Protein change: p.Val319Ile; replaces valine 319 with isoleucine.
Molecular consequence: missense variant.
Genome position (GRCh38, 1-based): chr17:58,210,983, C>T on the plus strand (G>A on the coding strand, the complement: MKS1 is on the minus strand). VCF-style: chr17-58210983-C-T. GRCh37 (hg19) VCF-style: chr17-56288344-C-T.
Other names: c.955G>A (NM_017777.3); c.346G>A, p.Val116Ile (NM_001321268.2); c.955G>A, p.Val319Ile (NM_001321269.2, NM_001330397.2); short protein forms V116I, V319I.
Identifiers: ClinVar variation 1057511 (VCV001057511.7), dbSNP rs1393510784, ClinGen allele CA400326102.